The following is an entry in ClinVar:

ClinVar aggregate classification (germline): Conflicting classifications of pathogenicity. Review status: criteria provided, conflicting classifications (1 of 4 stars). 4 submissions from 4 submitters: Uncertain significance (3); Likely benign (1). Last evaluated 2026-03-06.

Conditions:
NPHP4-related disorder. Also called: NPHP4-related condition; NPHP4-related disorders. Identifiers: MedGen CN239384.
Nephronophthisis 4 (NPHP4). Also called: NEPHRONOPHTHISIS 4, JUVENILE. Identifiers: Orphanet 655, MedGen C1847013, MONDO:0011752, OMIM 606966.
Senior-Loken syndrome 4 (SLSN4). Identifiers: Orphanet 3156, MedGen C1846979, MONDO:0011756, OMIM 606996.
Nephronophthisis. Also called: Juvenile Nephronophthisis. Identifiers: Orphanet 655, MedGen C0687120, MONDO:0019005, HP:0000090.

Allele frequency attached by ClinVar (database versions not stated): gnomAD 0.00006 and 0.00007; TOPMed 0.00013; ExAC 0.00015; gnomAD exomes 0.00015; 1000 Genomes Project 0.00020; 1000 Genomes Project 30x 0.00047.
gnomAD v4.1: 138 of 1,610,560 alleles (0.0086%); highest among the groups gnomAD compares: East Asian, 0.15%; 2 homozygotes.

Submissions (4):

PreventionGenetics, part of Exact Sciences
Classification: Uncertain significance for NPHP4-related condition. Last evaluated: 2026-03-06. Review status: criteria provided, single submitter. Criteria: ACMG Guidelines, 2015. Collection method: clinical testing. Allele origin: germline.
Comment: The NPHP4 c.2893G>A variant is predicted to result in the amino acid substitution p.Glu965Lys. This variant was reported as de novo in an individual with sagittal craniosynostosis (Timberlake et al. 2017. PubMed ID: 28808027). This variant is reported in 0.12% of alleles in individuals of East Asian descent in gnomAD, including one homozygous individual. Although we suspect that this variant may be benign, at this time, the clinical significance of this variant is uncertain due to the absence of conclusive functional and genetic evidence.

Labcorp Genetics (formerly Invitae), Labcorp
Classification: Uncertain significance for Nephronophthisis. Last evaluated: 2025-09-02. Review status: criteria provided, single submitter. Criteria: Invitae Variant Classification Sherloc (09022015). Collection method: clinical testing. Allele origin: germline.
Comment: This sequence change replaces glutamic acid, which is acidic and polar, with lysine, which is basic and polar, at codon 965 of the NPHP4 protein (p.Glu965Lys). This variant is present in population databases (rs192464308, gnomAD 0.1%), including at least one homozygous and/or hemizygous individual. This variant has not been reported in the literature in individuals affected with NPHP4-related conditions. ClinVar contains an entry for this variant (Variation ID: 1368504). Invitae Evidence Modeling of protein sequence and biophysical properties (such as structural, functional, and spatial information, amino acid conservation, physicochemical variation, residue mobility, and thermodynamic stability) indicates that this missense variant is expected to disrupt NPHP4 protein function with a positive predictive value of 80%. In summary, the available evidence is currently insufficient to determine the role of this variant in disease. Therefore, it has been classified as a Variant of Uncertain Significance.

Blueprint Genetics
Classification: Likely benign. Last evaluated: 2024-11-22. Review status: criteria provided, single submitter. Criteria: ACMG Guidelines, 2015. Collection method: clinical testing. Allele origin: germline.

Department of Pathology and Laboratory Medicine, Sinai Health System
Classification: Uncertain significance for Nephronophthisis 4; Senior-Loken syndrome 4. Last evaluated: 2022-06-27. Review status: criteria provided, single submitter. Criteria: ACMG Guidelines, 2015. Collection method: research. Allele origin: germline.

NM_015102.5(NPHP4):c.2893G>A (p.Glu965Lys)

Gene: NPHP4 (nephrocystin 4; minus strand). Cytogenetic location: 1p36.31.
Variant type: single nucleotide variant.
Coding change: c.2893G>A on transcript NM_015102.5 (MANE Select); coding-DNA position 2893, G replaced by A.
Protein change: p.Glu965Lys; replaces glutamic acid 965 with lysine.
Molecular consequence: missense variant. On other transcripts: non-coding transcript variant (1).
Genome position (GRCh38, 1-based): chr1:5,875,025, C>T on the plus strand (G>A on the coding strand, the complement: NPHP4 is on the minus strand). VCF-style: chr1-5875025-C-T. GRCh37 (hg19) VCF-style: chr1-5935085-C-T.
Other names: c.1354G>A, p.Glu452Lys (NM_001291593.2); c.1357G>A, p.Glu453Lys (NM_001291594.2); c.2893G>A (NM_015102.4); short protein forms E965K, E452K, E453K.
Identifiers: ClinVar variation 1368504 (VCV001368504.9), dbSNP rs192464308, ClinGen allele CA553885.